The following is an entry in ClinVar:

ClinVar aggregate classification (germline): Uncertain significance (1 of 4 stars; one submission).

Conditions:
Adenylosuccinate lyase deficiency (ADSLD). Also called: ADSL DEFICIENCY. Identifiers: Orphanet 46, MedGen C0268126, MONDO:0007068, OMIM 103050.

gnomAD v4.1: 3 of 1,613,994 alleles (0.00019%); highest among the groups gnomAD compares: Non-Finnish European, 0.000085%; no homozygotes.

Submission:

Institute of Immunology and Genetics Kaiserslautern
Classification: Uncertain significance for Adenylosuccinate lyase deficiency. Last evaluated: 2026-01-08. Review status: criteria provided, single submitter. Criteria: ACMG Guidelines, 2015. Collection method: clinical testing. Allele origin: paternal. Affected: yes.
Comment: ACMG Criteria: PM2_P, PP3; Variant was found in compound-heterozygous state with ADSL(NM_000026.4):c.340T>C in trans.

NM_000026.4(ADSL):c.176A>G (p.Asp59Gly)

Gene: ADSL (adenylosuccinate lyase; plus strand). Cytogenetic location: 22q13.1.
Variant type: single nucleotide variant.
Coding change: c.176A>G on transcript NM_000026.4 (MANE Select); coding-DNA position 176, A replaced by G.
Protein change: p.Asp59Gly; replaces aspartic acid 59 with glycine.
Molecular consequence: missense variant. On other transcripts: 5 prime UTR variant (1), non-coding transcript variant (1).
Genome position (GRCh38, 1-based): chr22:40,349,854, A>G. VCF-style: chr22-40349854-A-G. GRCh37 (hg19) VCF-style: chr22-40745858-A-G.
Other names: c.176A>G, p.Asp59Gly (NM_001123378.3, NM_001363840.3, NM_001410812.1 and 2 more transcripts); c.-17A>G (NM_001317923.2); short protein forms D59G.
Identifiers: ClinVar variation 4851458 (VCV004851458.1).